The following is an entry in ClinVar:

ClinVar aggregate classification (germline): Uncertain significance. Review status: criteria provided, multiple submitters, no conflicts (2 of 4 stars). 2 submissions from 2 submitters: Uncertain significance (2). Last evaluated 2025-10-01.

Allele frequency attached by ClinVar (database versions not stated): gnomAD 0.00001; gnomAD exomes 0.00001; TOPMed 0.00001.
gnomAD v4.1: 21 of 1,603,186 alleles (0.0013%); highest among the groups gnomAD compares: Non-Finnish European, 0.0014%; no homozygotes.

Submissions (2):

CeGaT Center for Human Genetics Tuebingen
Classification: Uncertain significance. Last evaluated: 2025-10-01. Review status: criteria provided, single submitter. Criteria: CeGaT Center For Human Genetics Tuebingen Variant Classification Criteria Version 2. Collection method: clinical testing. Allele origin: germline. Affected: yes. Observed: 1 variant allele.
Comment: KIF11: PM2:Supporting, BP4

Labcorp Genetics (formerly Invitae), Labcorp
Classification: Uncertain significance. Last evaluated: 2023-10-27. Review status: criteria provided, single submitter. Criteria: Invitae Variant Classification Sherloc (09022015). Collection method: clinical testing. Allele origin: germline.
Comment: This sequence change replaces histidine, which is basic and polar, with tyrosine, which is neutral and polar, at codon 687 of the KIF11 protein (p.His687Tyr). This variant is present in population databases (no rsID available, gnomAD 0.01%). This variant has not been reported in the literature in individuals affected with KIF11-related conditions. ClinVar contains an entry for this variant (Variation ID: 958822). Advanced modeling of protein sequence and biophysical properties (such as structural, functional, and spatial information, amino acid conservation, physicochemical variation, residue mobility, and thermodynamic stability) performed at Invitae indicates that this missense variant is not expected to disrupt KIF11 protein function with a negative predictive value of 80%. In summary, the available evidence is currently insufficient to determine the role of this variant in disease. Therefore, it has been classified as a Variant of Uncertain Significance.

NM_004523.4(KIF11):c.2059C>T (p.His687Tyr)

Gene: KIF11 (kinesin family member 11; plus strand). Cytogenetic location: 10q23.33.
Variant type: single nucleotide variant.
Coding change: c.2059C>T on transcript NM_004523.4 (MANE Select); coding-DNA position 2059, C replaced by T.
Protein change: p.His687Tyr; replaces histidine 687 with tyrosine.
Molecular consequence: missense variant.
Genome position (GRCh38, 1-based): chr10:92,637,444, C>T. VCF-style: chr10-92637444-C-T. GRCh37 (hg19) VCF-style: chr10-94397201-C-T.
Other names: short protein forms H687Y.
Identifiers: ClinVar variation 958822 (VCV000958822.15), dbSNP rs1340522763, ClinGen allele CA377593323.